The following is an entry in ClinVar:

ClinVar aggregate classification (germline): Conflicting classifications of pathogenicity. Review status: criteria provided, conflicting classifications (1 of 4 stars). 4 submissions from 4 submitters: Uncertain significance (1); Likely benign (2). 1 of the submissions does not count toward it. Last evaluated 2025-02-09.

Conditions:
FAH-related disorder. Also called: FAH-related condition.
Tyrosinemia type I (TYRSN1). Also called: Tyrosinemia type 1; Fumarylacetoacetase deficiency; Deficiency of fumarylacetoacetase; FAH DEFICIENCY; HEPATORENAL TYROSINEMIA. Identifiers: Orphanet 882, MedGen C0268490, MONDO:0010161, OMIM 276700. Disease mechanism: loss of function.

Allele frequency attached by ClinVar (database versions not stated): gnomAD 0.00001 and 0.00003; TOPMed 0.00001; 1000 Genomes Project 30x 0.00047; 1000 Genomes Project 0.00060.

Submissions (4):

PreventionGenetics, part of Exact Sciences
Classification: Likely benign for FAH-related condition. Last evaluated: 2025-02-09. Review status: criteria provided, single submitter. Criteria: ACMG Guidelines, 2015. Collection method: clinical testing. Allele origin: germline.
Comment: This variant is classified as likely benign based on ACMG/AMP sequence variant interpretation guidelines (Richards et al. 2015 PMID: 25741868, with internal and published modifications).

Labcorp Genetics (formerly Invitae), Labcorp
Classification: Likely benign for Tyrosinemia type I. Last evaluated: 2024-05-20. Review status: criteria provided, single submitter. Criteria: Invitae Variant Classification Sherloc (09022015). Collection method: clinical testing. Allele origin: germline.

Eurofins Ntd Llc (ga)
Classification: Uncertain significance. Last evaluated: 2017-03-07. Review status: criteria provided, single submitter. Criteria: EGL Classification Definitions 2015. Collection method: clinical testing. Allele origin: germline. Observed: 1 variant allele, 1 heterozygote.

Natera, Inc.
Classification: Likely benign for Tyrosinemia type I. Last evaluated: 2019-07-15. Review status: no assertion criteria provided. Collection method: clinical testing. Allele origin: germline. Not counted in ClinVar's aggregate classification.

NM_000137.4(FAH):c.300C>T (p.Thr100=)

Gene: FAH (fumarylacetoacetate hydrolase; plus strand). Cytogenetic location: 15q25.1.
Variant type: single nucleotide variant.
Coding change: c.300C>T on transcript NM_000137.4 (MANE Select); coding-DNA position 300, C replaced by T.
Protein change: p.Thr100=; no amino-acid change (threonine 100 retained).
Molecular consequence: synonymous variant.
Genome position (GRCh38, 1-based): chr15:80,159,863, C>T. VCF-style: chr15-80159863-C-T. GRCh37 (hg19) VCF-style: chr15-80452205-C-T.
Other names: c.300C>T (NM_000137.2); c.300C>T, p.Thr100= (NM_001374377.1, NM_001374380.1).
Identifiers: ClinVar variation 500770 (VCV000500770.17), dbSNP rs567587933, ClinGen allele CA7691075.